The following is an entry in ClinVar:

ClinVar aggregate classification (germline): Uncertain significance (1 of 4 stars; one submission).

Submission:

Labcorp Genetics (formerly Invitae), Labcorp
Classification: Uncertain significance. Last evaluated: 2022-04-20. Review status: criteria provided, single submitter. Criteria: Invitae Variant Classification Sherloc (09022015). Collection method: clinical testing. Allele origin: germline.
Comment: This sequence change replaces histidine, which is basic and polar, with arginine, which is basic and polar, at codon 511 of the AGBL5 protein (p.His511Arg). This variant is not present in population databases (gnomAD no frequency). In summary, the available evidence is currently insufficient to determine the role of this variant in disease. Therefore, it has been classified as a Variant of Uncertain Significance. Algorithms developed to predict the effect of missense changes on protein structure and function (SIFT, PolyPhen-2, Align-GVGD) all suggest that this variant is likely to be tolerated. This variant has not been reported in the literature in individuals affected with AGBL5-related conditions.

NM_021831.6(AGBL5):c.1532A>G (p.His511Arg)

Gene: AGBL5 (AGBL carboxypeptidase 5; plus strand). Cytogenetic location: 2p23.3.
Variant type: single nucleotide variant.
Coding change: c.1532A>G on transcript NM_021831.6 (MANE Select); coding-DNA position 1532, A replaced by G.
Protein change: p.His511Arg; replaces histidine 511 with arginine.
Molecular consequence: missense variant. On other transcripts: non-coding transcript variant (2).
Genome position (GRCh38, 1-based): chr2:27,056,789, A>G. VCF-style: chr2-27056789-A-G. GRCh37 (hg19) VCF-style: chr2-27279657-A-G.
Other names: c.1532A>G, p.His511Arg (NM_001035506.1, NM_001035507.3); short protein forms H511R.
Identifiers: ClinVar variation 2128519 (VCV002128519.4), dbSNP rs2465473143, ClinGen allele CA346183175.